The following is an entry in ClinVar:

ClinVar aggregate classification (germline): Uncertain significance (1 of 4 stars; one submission).

Conditions:
Neuromuscular disease caused by qualitative or quantitative defects of dysferlin. Also called: Dysferlinopathy; Qualitative or quantitative defects of dysferlin. Identifiers: Orphanet 207073, MedGen C2931687, MONDO:0016145.

Allele frequency attached by ClinVar (database versions not stated): TOPMed below 0.00001.

Submission:

Labcorp Genetics (formerly Invitae), Labcorp
Classification: Uncertain significance for Neuromuscular disease caused by qualitative or quantitative defects of dysferlin. Last evaluated: 2022-08-08. Review status: criteria provided, single submitter. Criteria: Invitae Variant Classification Sherloc (09022015). Collection method: clinical testing. Allele origin: germline.
Comment: This sequence change replaces valine, which is neutral and non-polar, with methionine, which is neutral and non-polar, at codon 659 of the DYSF protein (p.Val659Met). This variant is not present in population databases (gnomAD no frequency). This variant has not been reported in the literature in individuals affected with DYSF-related conditions. ClinVar contains an entry for this variant (Variation ID: 1417608). Advanced modeling of protein sequence and biophysical properties (such as structural, functional, and spatial information, amino acid conservation, physicochemical variation, residue mobility, and thermodynamic stability) performed at Invitae indicates that this missense variant is not expected to disrupt DYSF protein function. In summary, the available evidence is currently insufficient to determine the role of this variant in disease. Therefore, it has been classified as a Variant of Uncertain Significance.

NM_001130987.2(DYSF):c.2029G>A (p.Val677Met)

Gene: DYSF (dysferlin; plus strand). Cytogenetic location: 2p13.2.
Variant type: single nucleotide variant.
Coding change: c.2029G>A on transcript NM_001130987.2 (MANE Select); coding-DNA position 2029, G replaced by A.
Protein change: p.Val677Met; replaces valine 677 with methionine.
Molecular consequence: missense variant.
Genome position (GRCh38, 1-based): chr2:71,553,851, G>A. VCF-style: chr2-71553851-G-A. GRCh37 (hg19) VCF-style: chr2-71780981-G-A.
Other names: c.1978G>A, p.Val660Met (NM_001130455.2, NM_001130983.2); c.1933G>A, p.Val645Met (NM_001130976.2, NM_001130977.2); c.1975G>A, p.Val659Met (NM_001130978.2, NM_003494.4); c.2068G>A, p.Val690Met (NM_001130979.2); c.2026G>A, p.Val676Met (NM_001130980.2, NM_001130981.2); c.2071G>A, p.Val691Met (NM_001130982.2); c.1936G>A, p.Val646Met (NM_001130984.2, NM_001130986.2); c.2029G>A, p.Val677Met (NM_001130985.2); short protein forms V645M, V646M, V676M, V690M, V677M, V659M, V660M, V691M.
Identifiers: ClinVar variation 1417608 (VCV001417608.5), dbSNP rs2091143613, ClinGen allele CA347218883.
Genomic context (GRCh38, chr2:71,553,851, plus strand): 5'-CGTCTCTCCATTCCAGGGTGCCACTACTACTACCTACCCTGGGGTAACGTGAAACCTGTG[G>A]TGGTGCTGTCATCCTACTGGGAGGACATCAGCCATAGAATCGAGACTCAGAACCAGCTGC-3'
Protein context (NP_001124459.1, residues 667-687): YLPWGNVKPV[Val677Met]VLSSYWEDIS